The following is an entry in ClinVar:

NM_001289125.3(IFNAR2):c.131C>G (p.Ser44Ter)

Genes: IFNAR2 (interferon alpha and beta receptor subunit 2; plus strand), IFNAR2-IL10RB (IFNAR2-IL10RB readthrough; plus strand). Cytogenetic location: 21q22.11.
Variant type: single nucleotide variant.
Coding change: c.131C>G on transcript NM_001289125.3 (MANE Select); coding-DNA position 131, C replaced by G.
Protein change: p.Ser44Ter; replaces serine 44 with a stop codon.
Molecular consequence: nonsense.
Genome position (GRCh38, 1-based): chr21:33,244,984, C>G. VCF-style: chr21-33244984-C-G. GRCh37 (hg19) VCF-style: chr21-34617289-C-G.
Other names: c.131C>G, p.Ser44Ter (NM_001414505.1, NM_000874.5, NM_001289126.2 and 5 more transcripts); short protein forms S44*.
Identifiers: ClinVar variation 4762846 (VCV004762846.1).

ClinVar aggregate classification (germline): Pathogenic (1 of 4 stars; one submission).

Submission:

Labcorp Genetics (formerly Invitae), Labcorp
Classification: Pathogenic. Last evaluated: 2025-02-08. Review status: criteria provided, single submitter. Criteria: Invitae Variant Classification Sherloc (09022015). Collection method: clinical testing. Allele origin: germline.
Comment: This sequence change creates a premature translational stop signal (p.Ser44*) in the IFNAR2 gene. It is expected to result in an absent or disrupted protein product. Loss-of-function variants in IFNAR2 are known to be pathogenic (PMID: 26424569, 33193576). This variant is not present in population databases (gnomAD no frequency). This variant has not been reported in the literature in individuals affected with IFNAR2-related conditions. For these reasons, this variant has been classified as Pathogenic.

Literature cited by the submitters: PubMed 26424569; PubMed 33193576.